The following is an entry in ClinVar:

NM_002230.4(JUP):c.941C>G (p.Ala314Gly)

Gene: JUP (junction plakoglobin; minus strand). Cytogenetic location: 17q21.2.
Variant type: single nucleotide variant.
Coding change: c.941C>G on transcript NM_002230.4 (MANE Select); coding-DNA position 941, C replaced by G.
Protein change: p.Ala314Gly; replaces alanine 314 with glycine.
Molecular consequence: missense variant.
Genome position (GRCh38, 1-based): chr17:41,765,036, G>C on the plus strand (C>G on the coding strand, the complement: JUP is on the minus strand). VCF-style: chr17-41765036-G-C. GRCh37 (hg19) VCF-style: chr17-39921288-G-C.
Other names: c.941C>G, p.Ala314Gly (NM_001352773.2, NM_001352774.2, NM_001352775.2 and 3 more transcripts); short protein forms A314G.
Identifiers: ClinVar variation 191673 (VCV000191673.7), dbSNP rs201214805, ClinGen allele CA237220.
Genomic context (GRCh38, chr17:41,765,036, plus strand): 5'-ACACGACTGGTGGTCCAGAGCAGCTTTTCATAACTGTAGTTACGCATGATCTGCACGAGG[G>C]CCTGGGGCCCACCATTGGCCAGGATGATCAGCTATGGGTAAAGAGGGAATGAGTGTGAGA-3'
Protein context (NP_002221.1, residues 304-324): LIILANGGPQ[Ala314Gly]LVQIMRNYSY

ClinVar aggregate classification (germline): Uncertain significance. Review status: criteria provided, multiple submitters, no conflicts (2 of 4 stars). 4 submissions from 4 submitters: Uncertain significance (4). Last evaluated 2023-12-25.

Conditions:
Cardiovascular phenotype. Identifiers: MedGen CN230736.
Arrhythmogenic right ventricular dysplasia 12. Also called: ARRHYTHMOGENIC RIGHT VENTRICULAR DYSPLASIA, FAMILIAL, 12. Identifiers: MedGen C1969081, MONDO:0012684, OMIM 611528.
Naxos disease (NXD). Also called: CARDIOMYOPATHY, ARRHYTHMOGENIC RIGHT VENTRICULAR, WITH SKIN, HAIR, AND NAIL ABNORMALITIES; KERATOSIS PALMOPLANTARIS WITH ARRHYTHMOGENIC CARDIOMYOPATHY; MAL DE NAXOS; PALMOPLANTAR KERATODERMA WITH ARRHYTHMOGENIC RIGHT VENTRICULAR CARDIOMYOPATHY AND WOOLLY HAIR; WOOLLY HAIR, PALMOPLANTAR KERATODERMA, AND CARDIAC ABNORMALITIES. Identifiers: Orphanet 34217, MedGen C1832600, MONDO:0011017, OMIM 601214.

Allele frequency attached by ClinVar (database versions not stated): gnomAD exomes below 0.00001 and 0.00002.
gnomAD v4.1: 24 of 1,614,132 alleles (0.0015%); highest among the groups gnomAD compares: Non-Finnish European, 0.0019%; no homozygotes.

Submissions (4):

Labcorp Genetics (formerly Invitae), Labcorp
Classification: Uncertain significance for Arrhythmogenic right ventricular dysplasia 12; Naxos disease. Last evaluated: 2023-12-25. Review status: criteria provided, single submitter. Criteria: Invitae Variant Classification Sherloc (09022015). Collection method: clinical testing. Allele origin: germline.
Comment: This sequence change replaces alanine, which is neutral and non-polar, with glycine, which is neutral and non-polar, at codon 314 of the JUP protein (p.Ala314Gly). This variant is present in population databases (rs201214805, gnomAD 0.0009%). This variant has not been reported in the literature in individuals affected with JUP-related conditions. ClinVar contains an entry for this variant (Variation ID: 191673). Algorithms developed to predict the effect of missense changes on protein structure and function output the following: SIFT: "Not Available"; PolyPhen-2: "Benign"; Align-GVGD: "Not Available". The glycine amino acid residue is found in multiple mammalian species, which suggests that this missense change does not adversely affect protein function. In summary, the available evidence is currently insufficient to determine the role of this variant in disease. Therefore, it has been classified as a Variant of Uncertain Significance.

Ambry Genetics
Classification: Uncertain significance for Cardiovascular phenotype. Last evaluated: 2022-06-30. Review status: criteria provided, single submitter. Criteria: Ambry Variant Classification Scheme 2023. Collection method: clinical testing. Allele origin: germline.
Comment: The p.A314G variant (also known as c.941C>G), located in coding exon 5 of the JUP gene, results from a C to G substitution at nucleotide position 941. The alanine at codon 314 is replaced by glycine, an amino acid with similar properties. This amino acid position is not well conserved in available vertebrate species. In addition, this alteration is predicted to be tolerated by in silico analysis. Since supporting evidence is limited at this time, the clinical significance of this alteration remains unclear.

GeneDx
Classification: Uncertain significance. Last evaluated: 2022-04-26. Review status: criteria provided, single submitter. Criteria: GeneDx Variant Classification Process June 2021. Collection method: clinical testing. Allele origin: germline. Affected: yes.
Comment: Has not been previously published as pathogenic or benign to our knowledge; Not observed at significant frequency in large population cohorts (gnomAD); In silico analysis supports that this missense variant does not alter protein structure/function

Biesecker Lab/Clinical Genomics Section, National Institutes of Health
Classification: Uncertain significance. Last evaluated: 2013-06-24. Review status: criteria provided, single submitter. Criteria: Ng et al. (Circ Cardiovasc Genet. 2013). Collection method: research. Allele origin: unknown. Observed: 1 variant allele. Study: ClinSeq.
Comment: The study set was not selected for affection status in relation to any cancer. Pathogenicity categories were based on literature curation. See Pubmed ID:23861362 for details.

Medical sequencing